The following is an entry in ClinVar:

NM_001384140.1(PCDH15):c.3382G>A (p.Ala1128Thr)

Gene: PCDH15 (protocadherin related 15; minus strand). Cytogenetic location: 10q21.1.
Variant type: single nucleotide variant.
Coding change: c.3382G>A on transcript NM_001384140.1 (MANE Select); coding-DNA position 3382, G replaced by A.
Protein change: p.Ala1128Thr; replaces alanine 1128 with threonine.
Molecular consequence: missense variant.
Genome position (GRCh38, 1-based): chr10:53,903,362, C>T on the plus strand (G>A on the coding strand, the complement: PCDH15 is on the minus strand). VCF-style: chr10-53903362-C-T. GRCh37 (hg19) VCF-style: chr10-55663122-C-T.
Other names: c.3382G>A, p.Ala1128Thr (NM_001142772.2, NM_001354420.2, NM_001354429.2 and 4 more transcripts); c.3316G>A, p.Ala1106Thr (NM_001142773.2, NM_001354404.2, NM_001142768.2); c.3403G>A, p.Ala1135Thr (NM_001354411.2); c.3397G>A, p.Ala1133Thr (NM_001142763.2, NM_001142771.2); c.3169G>A, p.Ala1057Thr (NM_001142765.2); c.3271G>A, p.Ala1091Thr (NM_001142767.2); c.3418G>A, p.Ala1140Thr (NM_001142769.4); short protein forms A1057T, A1091T, A1106T, A1128T, A1133T, A1135T, A1140T.
Identifiers: ClinVar variation 990228 (VCV000990228.7), dbSNP rs200748221, ClinGen allele CA5505678.

ClinVar aggregate classification (germline): Uncertain significance. Review status: criteria provided, single submitter (1 of 4 stars). 2 submissions from 2 submitters: Uncertain significance (1). 1 of the submissions does not count toward it. Last evaluated 2025-03-03.

Conditions:
Usher syndrome type 1F (USH1F). Also called: USHER SYNDROME, TYPE IF. Identifiers: Orphanet 231169, Orphanet 886, MedGen C1865885, MONDO:0011186, OMIM 602083.

Allele frequency attached by ClinVar (database versions not stated): gnomAD 0.00001; gnomAD exomes 0.00001; ExAC 0.00002; TOPMed 0.00002; 1000 Genomes Project 30x 0.00031; 1000 Genomes Project 0.00040.
gnomAD v4.1: 11 of 1,612,652 alleles (0.00068%); highest among the groups gnomAD compares: African/African-American, 0.011%; no homozygotes.

Submissions (2):

Labcorp Genetics (formerly Invitae), Labcorp
Classification: Uncertain significance. Last evaluated: 2025-03-03. Review status: criteria provided, single submitter. Criteria: Invitae Variant Classification Sherloc (09022015). Collection method: clinical testing. Allele origin: germline.
Comment: This sequence change replaces alanine, which is neutral and non-polar, with threonine, which is neutral and polar, at codon 1128 of the PCDH15 protein (p.Ala1128Thr). This variant is present in population databases (rs200748221, gnomAD 0.007%). This variant has not been reported in the literature in individuals affected with PCDH15-related conditions. ClinVar contains an entry for this variant (Variation ID: 990228). Invitae Evidence Modeling of protein sequence and biophysical properties (such as structural, functional, and spatial information, amino acid conservation, physicochemical variation, residue mobility, and thermodynamic stability) indicates that this missense variant is not expected to disrupt PCDH15 protein function with a negative predictive value of 95%. In summary, the available evidence is currently insufficient to determine the role of this variant in disease. Therefore, it has been classified as a Variant of Uncertain Significance.

Natera, Inc.
Classification: Uncertain significance for Usher syndrome type 1F. Last evaluated: 2020-04-17. Review status: no assertion criteria provided. Collection method: clinical testing. Allele origin: germline. Not counted in ClinVar's aggregate classification.